The following is an entry in ClinVar:

NM_001379291.1(BRD4):c.760C>T (p.Pro254Ser)

Gene: BRD4 (bromodomain containing 4; minus strand). Cytogenetic location: 19p13.12.
Variant type: single nucleotide variant.
Coding change: c.760C>T on transcript NM_001379291.1 (MANE Select); coding-DNA position 760, C replaced by T.
Protein change: p.Pro254Ser; replaces proline 254 with serine.
Molecular consequence: missense variant.
Genome position (GRCh38, 1-based): chr19:15,265,443, G>A on the plus strand (C>T on the coding strand, the complement: BRD4 is on the minus strand). VCF-style: chr19-15265443-G-A. GRCh37 (hg19) VCF-style: chr19-15376254-G-A.
Other names: c.760C>T (NM_058243.2); c.760C>T, p.Pro254Ser (NM_001330384.2, NM_001379292.1, NM_014299.3 and 1 more transcripts); short protein forms P254S.
Identifiers: ClinVar variation 2649489 (VCV002649489.25), dbSNP rs754706245, ClinGen allele CA9265540.

ClinVar aggregate classification (germline): Uncertain significance. Review status: criteria provided, multiple submitters, no conflicts (2 of 4 stars). 2 submissions from 2 submitters: Uncertain significance (2). Last evaluated 2024-12-10.

Conditions:
Inborn genetic diseases. Identifiers: MedGen C0950123, MeSH D030342.

Allele frequency attached by ClinVar (database versions not stated): ExAC 0.00001.
gnomAD v4.1: 32 of 1,335,504 alleles (0.0024%); highest among the groups gnomAD compares: Non-Finnish European, 0.0032%; no homozygotes.

Submissions (2):

Ambry Genetics
Classification: Uncertain significance for Inborn genetic diseases. Last evaluated: 2024-12-10. Review status: criteria provided, single submitter. Criteria: Ambry Variant Classification Scheme 2023. Collection method: clinical testing. Allele origin: germline.

CeGaT Center for Human Genetics Tuebingen
Classification: Uncertain significance. Last evaluated: 2022-09-01. Review status: criteria provided, single submitter. Criteria: CeGaT Center For Human Genetics Tuebingen Variant Classification Criteria Version 2. Collection method: clinical testing. Allele origin: germline. Affected: yes. Observed: 1 variant allele.
Comment: BRD4: PP2